The following is an entry in ClinVar:

ClinVar aggregate classification (germline): Pathogenic (3 of 4 stars; one submission).

Conditions:
Breast-ovarian cancer, familial, susceptibility to, 2 (BROVCA2). Also called: BRCA2 Hereditary Breast and Ovarian Cancer. Identifiers: Orphanet 145, MedGen C2675520, MONDO:0012933, OMIM 612555. Disease mechanism: loss of function.

Submission:

Evidence-based Network for the Interpretation of Germline Mutant Alleles (ENIGMA)
Classification: Pathogenic for Breast-ovarian cancer, familial, susceptibility to, 2. Last evaluated: 2016-09-08. Review status: reviewed by expert panel. Criteria: ENIGMA BRCA1/2 Classification Criteria (2015). Collection method: curation. Allele origin: germline.
Comment: Variant allele predicted to encode a truncated non-functional protein.

NM_000059.4(BRCA2):c.7544del (p.Thr2515fs)

Gene: BRCA2 (BRCA2 DNA repair associated; plus strand). Cytogenetic location: 13q13.1.
Variant type: Deletion.
Coding change: c.7544del on transcript NM_000059.4 (MANE Select); coding-DNA position 7544, one base deleted (C; older notation c.7544delC).
Protein change: p.Thr2515fs; shifts the reading frame from threonine 2515.
Molecular consequence: frameshift variant.
Genome position (GRCh38, 1-based): chr13:32,356,536, C deleted. VCF-style (leftmost placement, unchanged base first): chr13-32356535-AC-A. GRCh37 (hg19) VCF-style: chr13-32930672-AC-A.
Other names: c.7544delC (NM_000059.3); short protein forms T2515fs.
Identifiers: ClinVar variation 52352 (VCV000052352.4), dbSNP rs397507920, ClinGen allele CA025141.